The following is an entry in ClinVar:

ClinVar aggregate classification (germline): Benign/Likely benign. Review status: criteria provided, multiple submitters, no conflicts (2 of 4 stars). 9 submissions from 9 submitters: Benign (5); Likely benign (2). 2 of the submissions do not count toward it. Last evaluated 2026-02-01.

Conditions:
SYNE2-related disorder. Also called: SYNE2-related condition.
Emery-Dreifuss muscular dystrophy 5, autosomal dominant (EDMD5). Also called: EMERY-DREIFUSS MUSCULAR DYSTROPHY 5. Identifiers: Orphanet 261, MedGen C2751805, MONDO:0013072, OMIM 612999.

Allele frequency attached by ClinVar (database versions not stated): 1000 Genomes Project 30x 0.02795; 1000 Genomes Project 0.02835; gnomAD exomes 0.03286; ExAC 0.03298; TOPMed 0.03804; ESP Exome Variant Server 0.03844.
gnomAD v4.1: 59,155 of 1,614,114 alleles (3.7%); highest among the groups gnomAD compares: Middle Eastern, 6.5%; 1,243 homozygotes.

Submissions (9):

Labcorp Genetics (formerly Invitae), Labcorp
Classification: Benign for Emery-Dreifuss muscular dystrophy 5, autosomal dominant. Last evaluated: 2026-02-01. Review status: criteria provided, single submitter. Criteria: Invitae Variant Classification Sherloc (09022015). Collection method: clinical testing. Allele origin: germline.

PreventionGenetics, part of Exact Sciences
Classification: Benign for SYNE2-related condition. Last evaluated: 2025-01-05. Review status: criteria provided, single submitter. Criteria: ACMG Guidelines, 2015. Collection method: clinical testing. Allele origin: germline.
Comment: This variant is classified as benign based on ACMG/AMP sequence variant interpretation guidelines (Richards et al. 2015 PMID: 25741868, with internal and published modifications).

GeneDx
Classification: Likely benign. Last evaluated: 2020-07-01. Review status: criteria provided, single submitter. Criteria: GeneDx Variant Classification Process June 2021. Collection method: clinical testing. Allele origin: germline. Affected: yes.

Athena Diagnostics
Classification: Benign. Last evaluated: 2018-06-21. Review status: criteria provided, single submitter. Criteria: Athena Diagnostics Criteria. Collection method: clinical testing. Allele origin: germline.

Illumina Laboratory Services, Illumina
Classification: Benign for Emery-Dreifuss muscular dystrophy 5, autosomal dominant. Last evaluated: 2018-01-13. Review status: criteria provided, single submitter. Criteria: ICSL Variant Classification Criteria 13 December 2019. Collection method: clinical testing. Allele origin: germline.
Comment: This variant was observed in the ICSL laboratory as part of a predisposition screen in an ostensibly healthy population. It had not been previously curated by ICSL or reported in the Human Gene Mutation Database (HGMD: prior to June 1st, 2018), and was therefore a candidate for classification through an automated scoring system. Utilizing variant allele frequency, disease prevalence and penetrance estimates, and inheritance mode, an automated score was calculated to assess if this variant is too frequent to cause the disease. Based on the score and internal cut-off values, a variant classified as benign is not then subjected to further curation. The score for this variant resulted in a classification of benign for this disease.

Genome Diagnostics Laboratory, University Medical Center Utrecht
Classification: Benign for Emery-Dreifuss muscular dystrophy 5, autosomal dominant. Last evaluated: 2014-10-09. Review status: criteria provided, single submitter. Criteria: ACGS Guidelines, 2013. Collection method: clinical testing. Allele origin: germline. Affected: yes. Study: VKGL Data-share Consensus.

Breakthrough Genomics
Classification: Likely benign. Review status: criteria provided, single submitter. Criteria: ACMG Guidelines, 2015. Collection method: not provided. Allele origin: germline. Inheritance: Autosomal dominant inheritance. Affected: yes.

Clinical Genetics, Academic Medical Center
Classification: Benign. Review status: no assertion criteria provided. Collection method: clinical testing. Allele origin: germline. Affected: yes. Study: VKGL Data-share Consensus. Not counted in ClinVar's aggregate classification.

Genetic Services Laboratory, University of Chicago
Classification: Likely benign for AllHighlyPenetrant. Review status: no assertion criteria provided. Collection method: clinical testing. Allele origin: germline. Inheritance: Autosomal dominant inheritance. Not counted in ClinVar's aggregate classification.
Comment: Likely benign based on allele frequency in 1000 Genomes Project or ESP global frequency and its presence in a patient with a rare or unrelated disease phenotype. NOT Sanger confirmed.

NM_182914.3(SYNE2):c.14734C>G (p.Pro4912Ala)

Gene: SYNE2 (spectrin repeat containing nuclear envelope protein 2; plus strand). Cytogenetic location: 14q23.2.
Variant type: single nucleotide variant.
Coding change: c.14734C>G on transcript NM_182914.3 (MANE Select); coding-DNA position 14734, C replaced by G.
Protein change: p.Pro4912Ala; replaces proline 4912 with alanine.
Molecular consequence: missense variant.
Genome position (GRCh38, 1-based): chr14:64,137,874, C>G. VCF-style: chr14-64137874-C-G. GRCh37 (hg19) VCF-style: chr14-64604592-C-G.
Other names: c.14734C>G, p.Pro4912Ala (NM_015180.6); short protein forms P4912A.
Identifiers: ClinVar variation 130475 (VCV000130475.25), dbSNP rs17766354, ClinGen allele CA155538.